The following is an entry in ClinVar:

NM_001267550.2(TTN):c.107833T>A (p.Phe35945Ile)

Genes: TTN (titin; minus strand), TTN-AS1 (TTN antisense RNA 1; plus strand). Cytogenetic location: 2q31.2.
Variant type: single nucleotide variant.
Coding change: c.107833T>A on transcript NM_001267550.2 (MANE Select); coding-DNA position 107833, T replaced by A.
Protein change: p.Phe35945Ile; replaces phenylalanine 35945 with isoleucine.
Molecular consequence: missense variant.
Genome position (GRCh38, 1-based): chr2:178,527,155, A>T on the plus strand (T>A on the coding strand, the complement: TTN is on the minus strand). VCF-style: chr2-178527155-A-T. GRCh37 (hg19) VCF-style: chr2-179391882-A-T.
Other names: c.102910T>A, p.Phe34304Ile (NM_001256850.1); c.80638T>A, p.Phe26880Ile (NM_003319.4); c.100129T>A, p.Phe33377Ile (NM_133378.4); c.81013T>A, p.Phe27005Ile (NM_133432.3); c.81214T>A, p.Phe27072Ile (NM_133437.4); short protein forms F27072I, F34304I, F27005I, F26880I, F33377I, F35945I.
Identifiers: ClinVar variation 653902 (VCV000653902.15), dbSNP rs1575169924, ClinGen allele CA349398781.

ClinVar aggregate classification (germline): Conflicting classifications of pathogenicity. Review status: criteria provided, conflicting classifications (1 of 4 stars). 4 submissions from 4 submitters: Uncertain significance (3); Likely benign (1). Last evaluated 2025-07-03.

Conditions:
Cardiomyopathy (CMYO). Also called: Cardiomyopathies. Identifiers: Orphanet 167848, MedGen C0878544, MONDO:0004994, HP:0001638. Inheritance: Various modes of inheritance.
Autosomal recessive limb-girdle muscular dystrophy type 2J (LGMDR10). Also called: Limb-girdle muscular dystrophy, type 2J; MUSCULAR DYSTROPHY, LIMB-GIRDLE, AUTOSOMAL RECESSIVE 10. Identifiers: Orphanet 140922, MedGen C1837342, MONDO:0012127, OMIM 608807.
Dilated cardiomyopathy 1G (CMD1G). Identifiers: Orphanet 154, MedGen C1858763, MONDO:0011400, OMIM 604145.

Submissions (4):

Labcorp Genetics (formerly Invitae), Labcorp
Classification: Uncertain significance for Dilated cardiomyopathy 1G; Autosomal recessive limb-girdle muscular dystrophy type 2J. Last evaluated: 2025-07-03. Review status: criteria provided, single submitter. Criteria: Invitae Variant Classification Sherloc (09022015). Collection method: clinical testing. Allele origin: germline.
Comment: This sequence change replaces phenylalanine, which is neutral and non-polar, with isoleucine, which is neutral and non-polar, at codon 35945 of the TTN protein (p.Phe35945Ile). This variant is not present in population databases (gnomAD no frequency). This variant has not been reported in the literature in individuals affected with TTN-related conditions. ClinVar contains an entry for this variant (Variation ID: 653902). Experimental studies and prediction algorithms are not available or were not evaluated, and the functional significance of this variant is currently unknown. This variant is located in the M band of TTN (PMID: 25589632). Non-truncating variants in this region may be relevant for neuromuscular disorders, but have not been definitively shown to cause cardiomyopathy (PMID: 23975875). In summary, the available evidence is currently insufficient to determine the role of this variant in disease. Therefore, it has been classified as a Variant of Uncertain Significance.

Molecular Diagnostic Laboratory for Inherited Cardiovascular Disease, Montreal Heart Institute
Classification: Likely benign. Last evaluated: 2025-04-09. Review status: criteria provided, single submitter. Criteria: ACMG Guidelines, 2015. Collection method: clinical testing. Allele origin: germline. Affected: no.

Revvity Omics, Revvity
Classification: Uncertain significance. Last evaluated: 2023-01-12. Review status: criteria provided, single submitter. Criteria: ACMG Guidelines, 2015. Collection method: clinical testing. Allele origin: germline.

CHEO Genetics Diagnostic Laboratory, Children's Hospital of Eastern Ontario
Classification: Uncertain significance for Cardiomyopathy. Last evaluated: 2020-08-12. Review status: criteria provided, single submitter. Criteria: ACMG Guidelines, 2015. Collection method: clinical testing. Allele origin: germline.

Literature cited by the submitters: PubMed 25589632 (cited by Labcorp Genetics (formerly Invitae), Labcorp); PubMed 23975875 (cited by Labcorp Genetics (formerly Invitae), Labcorp).